The following is an entry in ClinVar:

ClinVar aggregate classification (germline): Likely benign (1 of 4 stars; one submission).

gnomAD v4.1: 48 of 1,613,886 alleles (0.003%); highest among the groups gnomAD compares: African/African-American, 0.057%; no homozygotes.

Submission:

CeGaT Center for Human Genetics Tuebingen
Classification: Likely benign. Last evaluated: 2025-10-01. Review status: criteria provided, single submitter. Criteria: CeGaT Center For Human Genetics Tuebingen Variant Classification Criteria Version 2. Collection method: clinical testing. Allele origin: germline. Affected: yes. Observed: 1 variant allele.
Comment: IRX5: BP4, BP7

NM_005853.6(IRX5):c.432C>G (p.Gly144=)

Genes: IRX5 (iroquois homeobox 5; plus strand), LOC126862355 (CDK7 strongly-dependent group 2 enhancer GRCh37_chr16:54965529-54966728; plus strand). Cytogenetic location: 16q12.2.
Variant type: single nucleotide variant.
Coding change: c.432C>G on transcript NM_005853.6 (MANE Select); coding-DNA position 432, C replaced by G.
Protein change: p.Gly144=; no amino-acid change (glycine 144 retained).
Molecular consequence: synonymous variant.
Genome position (GRCh38, 1-based): chr16:54,932,680, C>G. VCF-style: chr16-54932680-C-G. GRCh37 (hg19) VCF-style: chr16-54966592-C-G.
Other names: c.432C>G, p.Gly144= (NM_001252197.1).
Identifiers: ClinVar variation 4534053 (VCV004534053.6).